The following is an entry in ClinVar:

NM_004522.3(KIF5C):c.1347G>A (p.Met449Ile)

Gene: KIF5C (kinesin family member 5C; plus strand). Cytogenetic location: 2q23.1.
Variant type: single nucleotide variant.
Coding change: c.1347G>A on transcript NM_004522.3 (MANE Select); coding-DNA position 1347, G replaced by A.
Protein change: p.Met449Ile; replaces methionine 449 with isoleucine.
Molecular consequence: missense variant. On other transcripts: non-coding transcript variant (1).
Genome position (GRCh38, 1-based): chr2:148,978,975, G>A. VCF-style: chr2-148978975-G-A. GRCh37 (hg19) VCF-style: chr2-149835489-G-A.
Other names: short protein forms M449I.
Identifiers: ClinVar variation 4847857 (VCV004847857.1).

ClinVar aggregate classification (germline): Uncertain significance (1 of 4 stars; one submission).

Submission:

Women's Health and Genetics/Laboratory Corporation of America, LabCorp
Classification: Uncertain significance. Last evaluated: 2026-02-13. Review status: criteria provided, single submitter. Criteria: LabCorp Variant Classification Summary - May 2015. Collection method: clinical testing. Allele origin: germline.
Comment: Variant summary: KIF5C c.1347G>A (p.Met449Ile) results in a conservative amino acid change in the encoded protein sequence. Algorithms developed to predict the effect of missense changes on protein structure and function are either unavailable or do not agree on the potential impact of this missense change. The variant was absent in 234972 control chromosomes. The available data on variant occurrences in the general population are insufficient to allow any conclusion about variant significance. To our knowledge, no occurrence of c.1347G>A in individuals affected with KIF5C-related conditions and no experimental evidence demonstrating its impact on protein function have been reported. No submitters have cited clinical-significance assessments for this variant to ClinVar. Based on the evidence outlined above, the variant was classified as uncertain significance.